The following is an entry in ClinVar:

ClinVar aggregate classification (germline): Uncertain significance (1 of 4 stars; one submission).

Allele frequency attached by ClinVar (database versions not stated): gnomAD exomes 0.00001.
gnomAD v4.1: 10 of 1,610,406 alleles (0.00062%); highest among the groups gnomAD compares: Non-Finnish European, 0.00085%; no homozygotes.

Submission:

Labcorp Genetics (formerly Invitae), Labcorp
Classification: Uncertain significance. Last evaluated: 2022-12-01. Review status: criteria provided, single submitter. Criteria: Invitae Variant Classification Sherloc (09022015). Collection method: clinical testing. Allele origin: germline.
Comment: In summary, the available evidence is currently insufficient to determine the role of this variant in disease. Therefore, it has been classified as a Variant of Uncertain Significance. This sequence change falls in intron 7 of the SMARCA2 gene. It does not directly change the encoded amino acid sequence of the SMARCA2 protein. It affects a nucleotide within the consensus splice site. This variant is not present in population databases (gnomAD no frequency). This variant has not been reported in the literature in individuals affected with SMARCA2-related conditions. Variants that disrupt the consensus splice site are a relatively common cause of aberrant splicing (PMID: 17576681, 9536098). Algorithms developed to predict the effect of sequence changes on RNA splicing suggest that this variant is not likely to affect RNA splicing.

Literature cited by the submitters: PubMed 17576681; PubMed 9536098.

NM_003070.5(SMARCA2):c.1347+4C>T

Gene: SMARCA2 (SWI/SNF related BAF chromatin remodeling complex subunit ATPase 2; plus strand). Cytogenetic location: 9p24.3.
Variant type: single nucleotide variant.
Coding change: c.1347+4C>T on transcript NM_003070.5 (MANE Select); 4 bases into the intron after coding-DNA position 1347, C replaced by T.
Molecular consequence: intron variant.
Genome position (GRCh38, 1-based): chr9:2,056,849, C>T. VCF-style: chr9-2056849-C-T. GRCh37 (hg19) VCF-style: chr9-2056849-C-T.
Other names: c.1347+4C>T (NM_139045.4, NM_001289397.2, NM_001289396.2).
Identifiers: ClinVar variation 2778332 (VCV002778332.3), dbSNP rs1586656091, ClinGen allele CA1827915458.